The following is an entry in ClinVar:

ClinVar aggregate classification (germline): Likely pathogenic. Review status: criteria provided, single submitter (1 of 4 stars). 2 submissions from 1 submitter: Likely pathogenic (2). Last evaluated 2016-01-01.

Conditions:
Cornelia de Lange syndrome 1 (CDLS1). Also called: TYPUS DEGENERATIVUS AMSTELODAMENSIS; Brachmann de Lange syndrome; NIPBL-Related Cornelia de Lange Syndrome. Identifiers: Orphanet 199, MedGen C4551851, MONDO:0007387, OMIM 122470.
Congenital diaphragmatic hernia. Also called: DIH; Congenital diaphragmatic defect; Unilateral agenesis of diaphragm; Agenesis of hemidiaphragm. Identifiers: Orphanet 2140, MedGen C0235833, MeSH D065630, MONDO:0005711, HP:0000776.
Microretrognathia. Identifiers: MedGen C1839546, HP:0000308.
Long philtrum. Identifiers: MedGen C1865014, HP:0000343.
Penile hypospadias. Identifiers: MedGen C1691215, HP:0003244.
Cryptorchidism. Also called: Undescended testes; undescended testicle. Identifiers: MedGen C0010417, MONDO:0009047, OMIM 219050, HP:0000028.
Right ventricular hypertrophy. Identifiers: MedGen C0162770, HP:0001667.
Single umbilical artery. Identifiers: MedGen C1384670, HP:0001195.
Pulmonary hypoplasia. Identifiers: MedGen C0265783, MONDO:0800133, HP:0002089.
Fetal growth restriction (IUGR). Also called: Intra uterine growth retardation; Intrauterine growth retardation; Intrauterine growth restriction. Identifiers: MedGen C0015934, MONDO:0005030, HP:0001511.

Submissions (2):

Centre for Mendelian Genomics, University Medical Centre Ljubljana
Classification: Likely pathogenic for Cornelia de Lange syndrome 1. Last evaluated: 2016-01-01. Review status: criteria provided, single submitter. Criteria: ACMG Guidelines, 2015. Collection method: clinical testing. Allele origin: unknown. Affected: yes.
Comment: This variant was classified as: Likely pathogenic.

Centre for Mendelian Genomics, University Medical Centre Ljubljana
Classification: Likely pathogenic for Congenital diaphragmatic hernia; Cryptorchidism; Hypospadias; Fetal growth restriction; Long philtrum; Microretrognathia; Pulmonary hypoplasia; Right ventricular hypertrophy; Single umbilical artery. Last evaluated: 2014-09-18. Review status: criteria provided, single submitter. Criteria: ACMG Guidelines, 2015. Collection method: clinical testing. Allele origin: unknown. Affected: yes.

NM_133433.4(NIPBL):c.1811_1812del (p.Lys603_Ser604insTer)

Gene: NIPBL (NIPBL cohesin loading factor; plus strand). Cytogenetic location: 5p13.2.
Variant type: Deletion.
Coding change: c.1811_1812del on transcript NM_133433.4 (MANE Select); coding-DNA positions 1811 to 1812, 2 bases deleted (CT; older notation c.1811_1812delCT).
Protein change: p.Lys603_Ser604insTer.
Molecular consequence: nonsense.
Genome position (GRCh38, 1-based): chr5:36,984,991-36,984,992, CT deleted; deleting any 2 consecutive bases within chr5:36,984,990-36,984,992 gives the same sequence; the c. name uses the placement nearest the transcript's 3' end. VCF-style (leftmost placement, unchanged base first): chr5-36984989-GTC-G. GRCh37 (hg19) VCF-style: chr5-36985091-GTC-G.
Other names: c.1811_1812del, p.Lys603_Ser604insTer (NM_015384.5).
Identifiers: ClinVar variation 374171 (VCV000374171.4), dbSNP rs1057518944, ClinGen allele CA16043408.